The following is an entry in ClinVar:

ClinVar aggregate classification (germline): Uncertain significance (1 of 4 stars; one submission).

Submission:

Labcorp Genetics (formerly Invitae), Labcorp
Classification: Uncertain significance. Last evaluated: 2024-06-04. Review status: criteria provided, single submitter. Criteria: Invitae Variant Classification Sherloc (09022015). Collection method: clinical testing. Allele origin: germline.
Comment: This sequence change replaces serine, which is neutral and polar, with glycine, which is neutral and non-polar, at codon 160 of the PPP2R1A protein (p.Ser160Gly). This variant is present in population databases (no rsID available, gnomAD 0.0009%). This variant has not been reported in the literature in individuals affected with PPP2R1A-related conditions. Advanced modeling of protein sequence and biophysical properties (such as structural, functional, and spatial information, amino acid conservation, physicochemical variation, residue mobility, and thermodynamic stability) performed at Invitae indicates that this missense variant is not expected to disrupt PPP2R1A protein function with a negative predictive value of 80%. In summary, the available evidence is currently insufficient to determine the role of this variant in disease. Therefore, it has been classified as a Variant of Uncertain Significance.

NM_014225.6(PPP2R1A):c.478A>G (p.Ser160Gly)

Gene: PPP2R1A (protein phosphatase 2 scaffold subunit Aalpha; plus strand). Cytogenetic location: 19q13.41.
Variant type: single nucleotide variant.
Coding change: c.478A>G on transcript NM_014225.6 (MANE Select); coding-DNA position 478, A replaced by G.
Protein change: p.Ser160Gly; replaces serine 160 with glycine.
Molecular consequence: missense variant. On other transcripts: 5 prime UTR variant (1), non-coding transcript variant (1).
Genome position (GRCh38, 1-based): chr19:52,211,467, A>G. VCF-style: chr19-52211467-A-G. GRCh37 (hg19) VCF-style: chr19-52714720-A-G.
Other names: c.-60A>G (NM_001363656.2); short protein forms S160G.
Identifiers: ClinVar variation 3625109 (VCV003625109.2).